The following is an entry in ClinVar:

NM_001242896.3(DEPDC5):c.1736G>T (p.Ser579Ile)

Gene: DEPDC5 (DEP domain containing 5, GATOR1 subcomplex subunit; plus strand). Cytogenetic location: 22q12.3.
Variant type: single nucleotide variant.
Coding change: c.1736G>T on transcript NM_001242896.3 (MANE Select); coding-DNA position 1736, G replaced by T.
Protein change: p.Ser579Ile; replaces serine 579 with isoleucine.
Molecular consequence: missense variant. On other transcripts: non-coding transcript variant (5).
Genome position (GRCh38, 1-based): chr22:31,819,091, G>T. VCF-style: chr22-31819091-G-T. GRCh37 (hg19) VCF-style: chr22-32215077-G-T.
Other names: c.1736G>T, p.Ser579Ile (NM_001136029.4, NM_001242897.2, NM_001363852.2 and 6 more transcripts); c.1652G>T, p.Ser551Ile (NM_001369901.1, NM_001369902.1); short protein forms S551I, S579I.
Identifiers: ClinVar variation 2413035 (VCV002413035.3), dbSNP rs2519374832, ClinGen allele CA411280556.

ClinVar aggregate classification (germline): Uncertain significance (1 of 4 stars; one submission).

Submission:

GeneDx
Classification: Uncertain significance. Last evaluated: 2022-07-27. Review status: criteria provided, single submitter. Criteria: GeneDx Variant Classification Process June 2021. Collection method: clinical testing. Allele origin: germline. Affected: yes.
Comment: Not observed at significant frequency in large population cohorts (gnomAD); In silico analysis supports that this missense variant has a deleterious effect on protein structure/function; Has not been previously published as pathogenic or benign to our knowledge